The following is an entry in ClinVar:

NM_000465.4(BARD1):c.1921_1922delinsGA (p.Arg641Glu)

Gene: BARD1 (BRCA1 associated RING domain 1; minus strand). Cytogenetic location: 2q35.
Variant type: Indel.
Coding change: c.1921_1922delinsGA on transcript NM_000465.4 (MANE Select); coding-DNA positions 1921 to 1922, CG replaced by GA.
Protein change: p.Arg641Glu; replaces arginine 641 with glutamic acid.
Molecular consequence: missense variant. On other transcripts: non-coding transcript variant (3).
Genome position (GRCh38, 1-based): chr2:214,730,490-214,730,491, CG replaced by TC on the plus strand (CG replaced by GA on the coding strand, the reverse complement: BARD1 is on the minus strand). VCF-style: chr2-214730490-CG-TC. GRCh37 (hg19) VCF-style: chr2-215595214-CG-TC.
Other names: c.1864_1865delinsGA, p.Arg622Glu (NM_001282543.2); c.568_569delinsGA, p.Arg190Glu (NM_001282545.2); c.511_512delinsGA, p.Arg171Glu (NM_001282548.2); c.382_383delinsGA, p.Arg128Glu (NM_001282549.2); short protein forms R128E, R171E, R190E, R622E, R641E.
Identifiers: ClinVar variation 3231780 (VCV003231780.1), dbSNP rs2469277659, ClinGen allele CA2825001071.

ClinVar aggregate classification (germline): Uncertain significance (1 of 4 stars; one submission).

Conditions:
Hereditary cancer-predisposing syndrome. Also called: Neoplastic Syndromes, Hereditary; Tumor predisposition; Hereditary neoplastic syndrome; Hereditary Cancer Syndrome. Identifiers: Orphanet 140162, MedGen C0027672, MeSH D009386, MONDO:0015356.

Submission:

Ambry Genetics
Classification: Uncertain significance for Hereditary cancer-predisposing syndrome. Last evaluated: 2024-01-23. Review status: criteria provided, single submitter. Criteria: Ambry Variant Classification Scheme 2023. Collection method: clinical testing. Allele origin: germline.
Comment: The c.1921_1922delCGinsGA variant (also known as p.R641E), located in coding exon 10 of the BARD1 gene, results from an in-frame deletion of CG and insertion of GA at nucleotide positions 1921 to 1922. This results in the substitution of the arginine residue for a glutamic acid residue at codon 641, an amino acid with similar properties. This amino acid position is not well conserved in available vertebrate species. In addition, this alteration is predicted to be neutral by in silico analysis (Choi Y et al. PLoS ONE. 2012; 7(10):e46688). Based on the available evidence, the clinical significance of this alteration remains unclear.